The following is an entry in ClinVar:

NM_007272.3(CTRC):c.41-3C>G

Gene: CTRC (chymotrypsin C; plus strand). Cytogenetic location: 1p36.21.
Variant type: single nucleotide variant.
Coding change: c.41-3C>G on transcript NM_007272.3 (MANE Select); 3 bases into the intron before coding-DNA position 41, C replaced by G.
Molecular consequence: intron variant.
Genome position (GRCh38, 1-based): chr1:15,440,297, C>G. VCF-style: chr1-15440297-C-G. GRCh37 (hg19) VCF-style: chr1-15766793-C-G.
Identifiers: ClinVar variation 4869516 (VCV004869516.1).

ClinVar aggregate classification (germline): Uncertain significance (1 of 4 stars; one submission).

Conditions:
Hereditary pancreatitis (PCTT). Also called: Hereditary chronic pancreatitis; PRSS1-Related Hereditary Pancreatitis. Identifiers: Orphanet 676, MedGen C0238339, MONDO:0008185, OMIM 167800.

Submission:

Ambry Genetics
Classification: Uncertain significance for Hereditary pancreatitis. Last evaluated: 2026-05-12. Review status: criteria provided, single submitter. Criteria: Ambry Variant Classification Scheme 2023. Collection method: clinical testing. Allele origin: germline.
Comment: The c.41-3C>G intronic variant results from a C to G substitution 3 nucleotides upstream from coding exon 2 in the CTRC gene. This nucleotide position is highly conserved in available vertebrate species. In silico splice site analysis predicts that this alteration may weaken the native splice acceptor site and may result in the creation or strengthening of a novel splice acceptor site. Based on the available evidence, the clinical significance of this variant remains unclear.